The following is an entry in ClinVar:

ClinVar aggregate classification (germline): Likely benign (0 of 4 stars; one submission).

Conditions:
PASK-related disorder. Also called: PASK-related condition.

Allele frequency attached by ClinVar (database versions not stated): 1000 Genomes Project 0.00040; 1000 Genomes Project 30x 0.00047; ExAC 0.00135; TOPMed 0.00197; gnomAD 0.00198; ESP Exome Variant Server 0.00292; gnomAD exomes 0.00319.

Submission:

PreventionGenetics, part of Exact Sciences
Classification: Likely benign for PASK-related condition. Last evaluated: 2021-08-03. Review status: no assertion criteria provided. Collection method: clinical testing. Allele origin: germline.
Comment: This variant is classified as likely benign based on ACMG/AMP sequence variant interpretation guidelines (Richards et al. 2015 PMID: 25741868, with internal and published modifications).

NM_015148.4(PASK):c.3151T>G (p.Leu1051Val)

Gene: PASK (PAS domain containing serine/threonine kinase; minus strand). Cytogenetic location: 2q37.3.
Variant type: single nucleotide variant.
Coding change: c.3151T>G on transcript NM_015148.4 (MANE Select); coding-DNA position 3151, T replaced by G.
Protein change: p.Leu1051Val; replaces leucine 1051 with valine.
Molecular consequence: missense variant.
Genome position (GRCh38, 1-based): chr2:241,115,335, A>C on the plus strand (T>G on the coding strand, the complement: PASK is on the minus strand). VCF-style: chr2-241115335-A-C. GRCh37 (hg19) VCF-style: chr2-242054750-A-C.
Other names: c.3151T>G, p.Leu1051Val (NM_001252119.2, NM_001252120.2, NM_001252124.2); c.3046T>G, p.Leu1016Val (NM_001252122.2); short protein forms L1016V, L1051V.
Identifiers: ClinVar variation 3038965 (VCV003038965.2), dbSNP rs146720543, ClinGen allele CA2212863.